The following is an entry in ClinVar:

ClinVar aggregate classification (germline): Benign. Review status: criteria provided, multiple submitters, no conflicts (2 of 4 stars). 3 submissions from 3 submitters: Benign (3). Last evaluated 2018-06-16.

Conditions:
Combined immunodeficiency due to DOCK8 deficiency (HIES2). Also called: HIES autosomal recessive; Hyper-IgE recurrent infection syndrome, autosomal recessive; HYPER-IgE RECURRENT INFECTION SYNDROME 2, AUTOSOMAL RECESSIVE; HYPER-IgE SYNDROME 2, AUTOSOMAL RECESSIVE, WITH RECURRENT INFECTIONS; DOCK8 Deficiency. Identifiers: Orphanet 217390, MedGen C4722305, MONDO:0009478, OMIM 243700.

Allele frequency attached by ClinVar (database versions not stated): gnomAD exomes 0.05891; gnomAD 0.07359 and 0.07724; TOPMed 0.07823; 1000 Genomes Project 0.11981; 1000 Genomes Project 30x 0.12071.
gnomAD v4.1: 56,227 of 910,406 alleles (6.2%); highest among the groups gnomAD compares: South Asian, 18%; 2,903 homozygotes.

Submissions (3):

GeneDx
Classification: Benign. Last evaluated: 2018-06-16. Review status: criteria provided, single submitter. Criteria: GeneDx Variant Classification Process June 2021. Collection method: clinical testing. Allele origin: germline. Affected: yes.

Illumina Laboratory Services, Illumina
Classification: Benign for Combined immunodeficiency due to DOCK8 deficiency. Last evaluated: 2018-01-12. Review status: criteria provided, single submitter. Criteria: ICSL Variant Classification Criteria 13 December 2019. Collection method: clinical testing. Allele origin: germline.
Comment: This variant was observed in the ICSL laboratory as part of a predisposition screen in an ostensibly healthy population. It had not been previously curated by ICSL or reported in the Human Gene Mutation Database (HGMD: prior to June 1st, 2018), and was therefore a candidate for classification through an automated scoring system. Utilizing variant allele frequency, disease prevalence and penetrance estimates, and inheritance mode, an automated score was calculated to assess if this variant is too frequent to cause the disease. Based on the score and internal cut-off values, a variant classified as benign is not then subjected to further curation. The score for this variant resulted in a classification of benign for this disease.

Breakthrough Genomics
Classification: Benign. Review status: criteria provided, single submitter. Criteria: ACMG Guidelines, 2015. Collection method: not provided. Allele origin: germline. Inheritance: Autosomal recessive inheritance. Affected: yes.

NM_203447.4(DOCK8):c.*112T>C

Gene: DOCK8 (dedicator of cytokinesis 8; plus strand). Cytogenetic location: 9p24.3.
Variant type: single nucleotide variant.
Coding change: c.*112T>C on transcript NM_203447.4 (MANE Select); 112 bases downstream of the stop codon, T replaced by C.
Molecular consequence: 3 prime UTR variant.
Genome position (GRCh38, 1-based): chr9:464,331, T>C. VCF-style: chr9-464331-T-C. GRCh37 (hg19) VCF-style: chr9-464331-T-C.
Other names: c.*112T>C (NM_001190458.2, NM_001193536.2).
Identifiers: ClinVar variation 367096 (VCV000367096.8), dbSNP rs10974618, ClinGen allele CA10633842.
Genomic context (GRCh38, chr9:464,331, plus strand): 5'-ACTTGCTGGTACTTAAAAAATGGGACATTTGCCACCCAGGACTGACTGTACACTCCCTGA[T>C]CAGCCAGCACTCTGGAAGCTTTGGGATCCCAGGAACCATGGAATTATTCCCAAATGGACT-3'